The following is an entry in ClinVar:

ClinVar aggregate classification (germline): Likely benign. Review status: criteria provided, single submitter (1 of 4 stars). 2 submissions from 2 submitters: Likely benign (1). 1 of the submissions does not count toward it. Last evaluated 2022-02-12.

Conditions:
POLQ-related disorder. Also called: POLQ-related condition.

Allele frequency attached by ClinVar (database versions not stated): ExAC 0.00074; TOPMed 0.00087; gnomAD 0.00091; ESP Exome Variant Server 0.00115; 1000 Genomes Project 0.00120; 1000 Genomes Project 30x 0.00125; gnomAD exomes 0.00126.
gnomAD v4.1: 1,939 of 1,598,992 alleles (0.12%); highest among the groups gnomAD compares: Non-Finnish European, 0.15%; 5 homozygotes.

Submissions (2):

Ambry Genetics
Classification: Likely benign. Last evaluated: 2022-02-12. Review status: criteria provided, single submitter. Criteria: Ambry Variant Classification Scheme 2023. Collection method: clinical testing. Allele origin: germline.

PreventionGenetics, part of Exact Sciences
Classification: Likely benign for POLQ-related condition. Last evaluated: 2019-11-21. Review status: no assertion criteria provided. Collection method: clinical testing. Allele origin: germline. Not counted in ClinVar's aggregate classification.
Comment: This variant is classified as likely benign based on ACMG/AMP sequence variant interpretation guidelines (Richards et al. 2015 PMID: 25741868, with internal and published modifications).

NM_199420.4(POLQ):c.465C>T (p.Tyr155=)

Gene: POLQ (DNA polymerase theta; minus strand). Cytogenetic location: 3q13.33.
Variant type: single nucleotide variant.
Coding change: c.465C>T on transcript NM_199420.4 (MANE Select); coding-DNA position 465, C replaced by T.
Protein change: p.Tyr155=; no amino-acid change (tyrosine 155 retained).
Molecular consequence: synonymous variant.
Genome position (GRCh38, 1-based): chr3:121,541,358, G>A on the plus strand (C>T on the coding strand, the complement: POLQ is on the minus strand). VCF-style: chr3-121541358-G-A. GRCh37 (hg19) VCF-style: chr3-121260205-G-A.
Identifiers: ClinVar variation 1742230 (VCV001742230.4), dbSNP rs142289848, ClinGen allele CA2563815.